The following is an entry in ClinVar:

ClinVar aggregate classification (germline): Uncertain significance (1 of 4 stars; one submission).

Submission:

Labcorp Genetics (formerly Invitae), Labcorp
Classification: Uncertain significance. Last evaluated: 2025-02-17. Review status: criteria provided, single submitter. Criteria: Invitae Variant Classification Sherloc (09022015). Collection method: clinical testing. Allele origin: germline.
Comment: This sequence change replaces glycine, which is neutral and non-polar, with arginine, which is basic and polar, at codon 519 of the SEC63 protein (p.Gly519Arg). This variant is not present in population databases (gnomAD no frequency). This variant has not been reported in the literature in individuals affected with SEC63-related conditions. An algorithm developed to predict the effect of missense changes on protein structure and function (PolyPhen-2) suggests that this variant is likely to be tolerated. In summary, the available evidence is currently insufficient to determine the role of this variant in disease. Therefore, it has been classified as a Variant of Uncertain Significance.

NM_007214.5(SEC63):c.1555G>A (p.Gly519Arg)

Gene: SEC63 (SEC63 protein translocation regulator; minus strand). Cytogenetic location: 6q21.
Variant type: single nucleotide variant.
Coding change: c.1555G>A on transcript NM_007214.5 (MANE Select); coding-DNA position 1555, G replaced by A.
Protein change: p.Gly519Arg; replaces glycine 519 with arginine.
Molecular consequence: missense variant.
Genome position (GRCh38, 1-based): chr6:107,893,601, C>T on the plus strand (G>A on the coding strand, the complement: SEC63 is on the minus strand). VCF-style: chr6-107893601-C-T. GRCh37 (hg19) VCF-style: chr6-108214805-C-T.
Other names: short protein forms G519R.
Identifiers: ClinVar variation 4710049 (VCV004710049.1).